The following is an entry in ClinVar:

NM_006939.4(SOS2):c.3380-239A>G

Gene: SOS2 (SOS Ras/Rho guanine nucleotide exchange factor 2; minus strand). Cytogenetic location: 14q21.3.
Variant type: single nucleotide variant.
Coding change: c.3380-239A>G on transcript NM_006939.4 (MANE Select); 239 bases into the intron before coding-DNA position 3380, A replaced by G.
Molecular consequence: intron variant.
Genome position (GRCh38, 1-based): chr14:50,120,623, T>C on the plus strand (A>G on the coding strand, the complement: SOS2 is on the minus strand). VCF-style: chr14-50120623-T-C. GRCh37 (hg19) VCF-style: chr14-50587341-T-C.
Identifiers: ClinVar variation 561659 (VCV000561659.1), dbSNP rs78111482, ClinGen allele CA260706121.

ClinVar aggregate classification (germline): Benign (1 of 4 stars; one submission).

Allele frequency attached by ClinVar (database versions not stated): 1000 Genomes Project 30x 0.01156; 1000 Genomes Project 0.01318; TOPMed 0.01333; gnomAD 0.02078 and 0.02129.
gnomAD v4.1: 3,131 of 152,242 alleles (2.1%); highest among the groups gnomAD compares: Non-Finnish European, 2.6%; 73 homozygotes.

Submission:

GeneDx
Classification: Benign. Last evaluated: 2018-06-14. Review status: criteria provided, single submitter. Criteria: GeneDx Variant Classification (06012015). Collection method: clinical testing. Allele origin: germline. Affected: yes.
Comment: This variant is considered likely benign or benign based on one or more of the following criteria: it is a conservative change, it occurs at a poorly conserved position in the protein, it is predicted to be benign by multiple in silico algorithms, and/or has population frequency not consistent with disease.